The following is an entry in ClinVar:

NM_014795.4(ZEB2):c.73+669dup

Gene: ZEB2 (zinc finger E-box binding homeobox 2; minus strand). Cytogenetic location: 2q22.3.
Variant type: Duplication.
Coding change: c.73+669dup on transcript NM_014795.4 (MANE Select); 669 bases into the intron after coding-DNA position 73, one base duplicated (G; older notation c.73+669dupG).
Molecular consequence: intron variant.
Genome position (GRCh38, 1-based): chr2:144,516,609, C duplicated on the plus strand (G on the coding strand, the reverse complement: ZEB2 is on the minus strand). VCF-style (leftmost placement, unchanged base first): chr2-144516608-G-GC. GRCh37 (hg19) VCF-style: chr2-145274175-G-GC.
Other names: c.73+669dup (NM_001171653.2).
Identifiers: ClinVar variation 3255231 (VCV003255231.2), dbSNP rs70985862.

ClinVar aggregate classification (germline): Benign (1 of 4 stars; one submission).

Allele frequency attached by ClinVar (database versions not stated): 1000 Genomes Project 0.99980; gnomAD 0.99998; 1000 Genomes Project 30x 1.00000; gnomAD exomes 1.00000.

Submission:

Unidad de Genómica Garrahan, Hospital de Pediatría Garrahan
Classification: Benign. Last evaluated: 2024-07-15. Review status: criteria provided, single submitter. Criteria: ACMG Guidelines, 2015. Collection method: clinical testing. Allele origin: germline. Affected: no. Observed: 93 variant alleles.
Comment: This variant is classified as Benign based on local population frequency. This variant was detected in 100% of patients studied in a panel designed for Epileptic and Developmental Encephalopathy and Progressive Myoclonus Epilepsy. Number of patients: 93. Only high quality variants are reported.